The following is an entry in ClinVar:

NM_021076.4(NEFH):c.2064A>C (p.Ala688=)

Gene: NEFH (neurofilament heavy chain; plus strand). Cytogenetic location: 22q12.2.
Variant type: single nucleotide variant.
Coding change: c.2064A>C on transcript NM_021076.4 (MANE Select); coding-DNA position 2064, A replaced by C.
Protein change: p.Ala688=; no amino-acid change (alanine 688 retained).
Molecular consequence: synonymous variant.
Genome position (GRCh38, 1-based): chr22:29,489,704, A>C. VCF-style: chr22-29489704-A-C. GRCh37 (hg19) VCF-style: chr22-29885693-A-C.
Identifiers: ClinVar variation 1945233 (VCV001945233.29), dbSNP rs1569197846, ClinGen allele CA514273601.
Genomic context (GRCh38, chr22:29,489,704, plus strand): 5'-CCCAGTGAAGGCAGAAGCAAAGTCCCCTGAGAAGGCCAAGTCCCCAGTGAAGGCAGAAGC[A>C]AAGTCCCCTGAGAAGGCCAAGTCCCCAGTGAAGGAAGAAGCAAAGTCCCCTGAGAAGGCC-3'
Protein context (NP_066554.2, residues 678-698): EKAKSPVKAE[Ala688=]KSPEKAKSPV

ClinVar aggregate classification (germline): Likely benign. Review status: criteria provided, multiple submitters, no conflicts (2 of 4 stars). 2 submissions from 2 submitters: Likely benign (2). Last evaluated 2023-09-01.

Allele frequency attached by ClinVar (database versions not stated): gnomAD 0.00002.

Submissions (2):

CeGaT Center for Human Genetics Tuebingen
Classification: Likely benign. Last evaluated: 2023-09-01. Review status: criteria provided, single submitter. Criteria: CeGaT Center For Human Genetics Tuebingen Variant Classification Criteria Version 2. Collection method: clinical testing. Allele origin: germline. Affected: yes. Observed: 2 variant alleles.
Comment: NEFH: BP4, BP7

Labcorp Genetics (formerly Invitae), Labcorp
Classification: Likely benign. Last evaluated: 2022-04-11. Review status: criteria provided, single submitter. Criteria: Invitae Variant Classification Sherloc (09022015). Collection method: clinical testing. Allele origin: germline.